The following is an entry in ClinVar:

ClinVar aggregate classification (germline): Uncertain significance (1 of 4 stars; one submission).

Conditions:
Neurodegeneration with brain iron accumulation 5 (NBIA5). Also called: STATIC ENCEPHALOPATHY OF CHILDHOOD WITH NEURODEGENERATION IN ADULTHOOD; Beta-propeller protein-associated neurodegeneration. Identifiers: Orphanet 329284, MedGen C3550973, MONDO:0010476, OMIM 300894.

Submission:

Labcorp Genetics (formerly Invitae), Labcorp
Classification: Uncertain significance for Neurodegeneration with brain iron accumulation 5. Last evaluated: 2023-04-13. Review status: criteria provided, single submitter. Criteria: Invitae Variant Classification Sherloc (09022015). Collection method: clinical testing. Allele origin: germline.
Comment: In summary, the available evidence is currently insufficient to determine the role of this variant in disease. Therefore, it has been classified as a Variant of Uncertain Significance. Experimental studies and prediction algorithms are not available or were not evaluated, and the functional significance of this variant is currently unknown. This variant has not been reported in the literature in individuals affected with WDR45-related conditions. This variant is not present in population databases (gnomAD no frequency). This variant, c.961_966del, results in the deletion of 2 amino acid(s) of the WDR45 protein (p.Val321_Asn322del), but otherwise preserves the integrity of the reading frame.

NM_001029896.2(WDR45):c.958_963del (p.Val320_Asn321del)

Gene: WDR45 (WD repeat domain 45; minus strand). Cytogenetic location: Xp11.23.
Variant type: Deletion.
Coding change: c.958_963del on transcript NM_001029896.2 (MANE Select); coding-DNA positions 958 to 963, 6 bases deleted (GTCAAC; older notation c.958_963delGTCAAC).
Protein change: p.Val320_Asn321del.
Molecular consequence: inframe deletion.
Genome position (GRCh38, 1-based): chrX:49,075,146-49,075,151, GTTGAC deleted on the plus strand (GTCAAC on the coding strand, the reverse complement: WDR45 is on the minus strand); deleting any 6 consecutive bases within chrX:49,075,146-49,075,154 gives the same sequence; the c. name uses the placement nearest the transcript's 3' end. VCF-style (leftmost placement, unchanged base first): chrX-49075145-AGTTGAC-A. GRCh37 (hg19) VCF-style: chrX-48932804-AGTTGAC-A.
Other names: c.961_966del, p.Val321_Asn322del (NM_007075.4).
Identifiers: ClinVar variation 2835743 (VCV002835743.3), dbSNP rs2520260070, ClinGen allele CA2739273492.